The following is an entry in ClinVar:

ClinVar aggregate classification (germline): Uncertain significance (1 of 4 stars; one submission).

Submission:

GeneDx
Classification: Uncertain significance. Last evaluated: 2019-09-16. Review status: criteria provided, single submitter. Criteria: GeneDx Variant Classification Process June 2021. Collection method: clinical testing. Allele origin: germline. Affected: yes.
Comment: Not observed in large population cohorts (Lek et al., 2016); In silico analysis, which includes protein predictors and evolutionary conservation, supports a deleterious effect; Has not been previously published as pathogenic or benign to our knowledge

NM_001353921.2(ARHGEF9):c.1558C>T (p.Pro520Ser)

Gene: ARHGEF9 (Cdc42 guanine nucleotide exchange factor 9; minus strand). Cytogenetic location: Xq11.1.
Variant type: single nucleotide variant.
Coding change: c.1558C>T on transcript NM_001353921.2 (MANE Select); coding-DNA position 1558, C replaced by T.
Protein change: p.Pro520Ser; replaces proline 520 with serine.
Molecular consequence: missense variant. On other transcripts: 3 prime UTR variant (2).
Genome position (GRCh38, 1-based): chrX:63,638,042, G>A on the plus strand (C>T on the coding strand, the complement: ARHGEF9 is on the minus strand). VCF-style: chrX-63638042-G-A. GRCh37 (hg19) VCF-style: chrX-62857922-G-A.
Other names: c.1378C>T, p.Pro460Ser (NM_001173479.2); c.1231C>T, p.Pro411Ser (NM_001173480.2, NM_001369042.1); c.1474C>T, p.Pro492Ser (NM_001330495.2, NM_001369033.1, NM_001369034.1 and 4 more transcripts); c.1426C>T, p.Pro476Ser (NM_001353922.2); c.1576C>T, p.Pro526Ser (NM_001353923.1); c.1357C>T, p.Pro453Ser (NM_001353924.2, NM_001353926.2, NM_001369039.1 and 1 more transcripts); c.1342C>T, p.Pro448Ser (NM_001353927.2, NM_001369041.1); c.1405C>T, p.Pro469Ser (NM_001353928.2); and 3 more; short protein forms P331S, P411S, P448S, P453S, P460S, P469S, P476S, P492S.
Identifiers: ClinVar variation 1312058 (VCV001312058.2), dbSNP rs2147113839, ClinGen allele CA413400956.